The following is an entry in ClinVar:

ClinVar aggregate classification (germline): Uncertain significance (1 of 4 stars; one submission).

Conditions:
Polycystic kidney disease 4 (PKD4). Also called: POLYCYSTIC KIDNEY DISEASE 4 WITH OR WITHOUT POLYCYSTIC LIVER DISEASE; PKD3; POLYCYSTIC KIDNEY AND HEPATIC DISEASE 1; POLYCYSTIC KIDNEY DISEASE, INFANTILE, TYPE I; Autosomal Recessive Polycystic Kidney Disease – PKHD1. Identifiers: MedGen C4540575, MONDO:0033004, OMIM 263200.

Submission:

Neuberg Centre For Genomic Medicine, NCGM
Classification: Uncertain significance for Polycystic kidney disease 4. Review status: criteria provided, single submitter. Criteria: ACMG Guidelines, 2015. Collection method: clinical testing. Allele origin: germline. Inheritance: Autosomal recessive inheritance. Affected: yes.
Comment: The synonymous c.6903G>Tp.Val2301 variant in PKDH1 gene has not been reported previously as a pathogenic variant nor a benign variant, to our knowledge. The p.Val2301 variant is novel not in any individuals in gnomAD Exomes and 1000 Genomes. This variant has not been reported to the ClinVar database. SpliceAI predicts this variant to cause splice acceptor loss 0.33 and acceptor gain 0.36. Additional functional studies will be required to prove the pathogenicity of this variant. For these reasons, this variant has been classified as a Variant of Uncertain Significance VUS.

NM_138694.4(PKHD1):c.6903G>T (p.Val2301=)

Gene: PKHD1 (PKHD1 ciliary IPT domain containing fibrocystin/polyductin; minus strand). Cytogenetic location: 6p12.2.
Variant type: single nucleotide variant.
Coding change: c.6903G>T on transcript NM_138694.4 (MANE Select); coding-DNA position 6903, G replaced by T.
Protein change: p.Val2301=; no amino-acid change (valine 2301 retained).
Molecular consequence: synonymous variant.
Genome position (GRCh38, 1-based): chr6:51,903,690, C>A on the plus strand (G>T on the coding strand, the complement: PKHD1 is on the minus strand). VCF-style: chr6-51903690-C-A. GRCh37 (hg19) VCF-style: chr6-51768488-C-A.
Other names: c.6903G>T, p.Val2301= (NM_170724.3).
Identifiers: ClinVar variation 3234907 (VCV003234907.1), dbSNP rs2127622696, ClinGen allele CA450415369.